The following is an entry in ClinVar:

ClinVar aggregate classification (germline): Uncertain significance. Review status: criteria provided, multiple submitters, no conflicts (2 of 4 stars). 3 submissions from 3 submitters: Uncertain significance (3). Last evaluated 2026-01-26.

Submissions (3):

GeneDx
Classification: Uncertain significance. Last evaluated: 2026-01-26. Review status: criteria provided, single submitter. Criteria: GeneDx Variant Classification Process June 2021. Collection method: clinical testing. Allele origin: germline.
Comment: Not observed at significant frequency in large population cohorts (gnomAD); In silico analysis supports that this missense variant has a deleterious effect on protein structure/function; Has not been previously published as pathogenic or benign to our knowledge

Labcorp Genetics (formerly Invitae), Labcorp
Classification: Uncertain significance. Last evaluated: 2024-11-17. Review status: criteria provided, single submitter. Criteria: Invitae Variant Classification Sherloc (09022015). Collection method: clinical testing. Allele origin: germline.
Comment: This sequence change replaces glycine, which is neutral and non-polar, with glutamic acid, which is acidic and polar, at codon 784 of the COL11A2 protein (p.Gly784Glu). This variant is not present in population databases (gnomAD no frequency). This variant has not been reported in the literature in individuals affected with COL11A2-related conditions. Invitae Evidence Modeling of protein sequence and biophysical properties (such as structural, functional, and spatial information, amino acid conservation, physicochemical variation, residue mobility, and thermodynamic stability) indicates that this missense variant is expected to disrupt COL11A2 protein function with a positive predictive value of 95%. In summary, the available evidence is currently insufficient to determine the role of this variant in disease. Therefore, it has been classified as a Variant of Uncertain Significance.

Women's Health and Genetics/Laboratory Corporation of America, LabCorp
Classification: Uncertain significance. Last evaluated: 2024-07-01. Review status: criteria provided, single submitter. Criteria: LabCorp Variant Classification Summary - May 2015. Collection method: clinical testing. Allele origin: germline.
Comment: Variant summary: COL11A2 c.2351G>A (p.Gly784Glu) results in a non-conservative amino acid change in the encoded protein sequence. Five of five in-silico tools predict a damaging effect of the variant on protein function. The variant was absent in 246262 control chromosomes. The available data on variant occurrences in the general population are insufficient to allow any conclusion about variant significance. To our knowledge, no occurrence of c.2351G>A in individuals affected with COL11A2-Related Disorders and no experimental evidence demonstrating its impact on protein function have been reported. No submitters have cited clinical-significance assessments for this variant to ClinVar. Based on the evidence outlined above, the variant was classified as uncertain significance.

NM_080680.3(COL11A2):c.2351G>A (p.Gly784Glu)

Gene: COL11A2 (collagen type XI alpha 2 chain; minus strand). Cytogenetic location: 6p21.32.
Variant type: single nucleotide variant.
Coding change: c.2351G>A on transcript NM_080680.3 (MANE Select); coding-DNA position 2351, G replaced by A.
Protein change: p.Gly784Glu; replaces glycine 784 with glutamic acid.
Molecular consequence: missense variant.
Genome position (GRCh38, 1-based): chr6:33,175,599, C>T on the plus strand (G>A on the coding strand, the complement: COL11A2 is on the minus strand). VCF-style: chr6-33175599-C-T. GRCh37 (hg19) VCF-style: chr6-33143376-C-T.
Other names: c.2171G>A, p.Gly724Glu (NM_001424108.1); c.1505G>A, p.Gly502Glu (NM_001424109.1); c.1325G>A, p.Gly442Glu (NM_001424110.1, NM_001424111.1); c.305G>A, p.Gly102Glu (NM_001424112.1); c.2030G>A, p.Gly677Glu (NM_080679.3); c.2093G>A, p.Gly698Glu (NM_080681.3); c.2351G>A (NM_080680.2); short protein forms G102E, G442E, G502E, G677E, G698E, G724E, G784E.
Identifiers: ClinVar variation 3339228 (VCV003339228.4).